The following is an entry in ClinVar:

NM_017636.4(TRPM4):c.3513C>T (p.Arg1171=)

Gene: TRPM4 (transient receptor potential cation channel subfamily M member 4; plus strand). Cytogenetic location: 19q13.33.
Variant type: single nucleotide variant.
Coding change: c.3513C>T on transcript NM_017636.4 (MANE Select); coding-DNA position 3513, C replaced by T.
Protein change: p.Arg1171=; no amino-acid change (arginine 1171 retained).
Molecular consequence: synonymous variant.
Genome position (GRCh38, 1-based): chr19:49,211,066, C>T. VCF-style: chr19-49211066-C-T. GRCh37 (hg19) VCF-style: chr19-49714323-C-T.
Other names: c.3078C>T, p.Arg1026= (NM_001195227.2); c.3168C>T, p.Arg1056= (NM_001321281.2); c.1905C>T, p.Arg635= (NM_001321282.2); c.2991C>T, p.Arg997= (NM_001321283.2); c.2451C>T, p.Arg817= (NM_001321285.2).
Identifiers: ClinVar variation 516020 (VCV000516020.1), dbSNP rs1379017824, ClinGen allele CA508283215.

ClinVar aggregate classification (germline): Likely benign (1 of 4 stars; one submission).

Allele frequency attached by ClinVar (database versions not stated): TOPMed below 0.00001 and 0.00001.

Submission:

GeneDx
Classification: Likely benign. Last evaluated: 2018-03-12. Review status: criteria provided, single submitter. Criteria: GeneDx Variant Classification (06012015). Collection method: clinical testing. Allele origin: germline. Affected: yes.
Comment: This variant is considered likely benign or benign based on one or more of the following criteria: it is a conservative change, it occurs at a poorly conserved position in the protein, it is predicted to be benign by multiple in silico algorithms, and/or has population frequency not consistent with disease.